The following continues an entry in ClinVar:

NM_000545.8(HNF1A):c.607C>T (p.Arg203Cys)

Gene: HNF1A. ClinVar aggregate classification (germline): Pathogenic. Pathogenic (1).

Submissions 5 to 8 of 8:

Ambry Genetics
Classification: Likely pathogenic for Maturity-onset diabetes of the young. Last evaluated: 2023-06-26. Review status: criteria provided, single submitter. Criteria: Ambry Variant Classification Scheme 2023. Collection method: clinical testing. Allele origin: germline. Not counted in ClinVar's aggregate classification.
Comment: The p.R203C variant (also known as c.607C>T), located in coding exon 3 of the HNF1A gene, results from a C to T substitution at nucleotide position 607. The arginine at codon 203 is replaced by cysteine, an amino acid with highly dissimilar properties. This variant was detected in several individuals with non-insulin dependent diabetes or suspected diagnosis of maturity-onset diabetes of the young (MODY), including three affected individuals across multiple generations in one family (Yamada S et al. Diabetes, 1999 Mar;48:645-8; Horikawa Y et al. Diabet Med, 2014 Jun;31:721-7; Plengvidhya N et al. World J Diabetes, 2019 Jul;10:414-420). In one study, this variant demonstrated lower activity and transactivation activity in Caco2 cells (Gu N et al. Biochem Biophys Res Commun, 2004 Dec;325:308-13); however, in Min6 cells, this variant demonstrated decreased activity at lower concentrations and higher activity than wildtype with increased levels of transfected DNA (Yamada S et al. Diabetes, 1999 Mar;48:645-8). In another study, protein with this variant was predominantly located in the cytoplasm while wildtype protein was distributed in the nucleus (Sujjitjoon J et al. Biochem Biophys Res Commun, 2020 Aug;529:826-833). This variant is considered to be rare based on population cohorts in the Genome Aggregation Database (gnomAD). This amino acid position is highly conserved in available vertebrate species. In addition, this alteration is predicted to be deleterious by in silico analysis. Two other alterations at the same codon, p.R203S (c.607C>A) and p.R203H (c.608G>A), have been described in individuals with MODY (Alvelos MI et al. J Clin Med, 2020 Jan;9; Colclough K et al. Hum Mutat, 2013 May;34:669-85; Johansson BB et al. Diabetologia, 2017 Apr;60:625-635; Thanabalasingham G et al. Diabetes, 2013 Apr;62:1329-37). Based on the majority of available evidence to date, this variant is likely to be pathogenic.

GeneDx
Classification: Pathogenic. Last evaluated: 2022-09-12. Review status: criteria provided, single submitter. Criteria: GeneDx Variant Classification Process June 2021. Collection method: clinical testing. Allele origin: germline. Affected: yes. Not counted in ClinVar's aggregate classification.
Comment: Not observed at significant frequency in large population cohorts (gnomAD); In silico analysis supports that this missense variant has a deleterious effect on protein structure/function; This variant is associated with the following publications: (PMID: 28410371, 23517481, 33950347, 32684311, 31363388, 21168233, 20393147, 10078571, 11058894, 15928245, 18811724, 25418671, 34789499, 12453420, 18003757)

Genetic Services Laboratory, University of Chicago
Classification: Pathogenic. Last evaluated: 2018-03-27. Review status: criteria provided, single submitter. Criteria: ACMG Guidelines, 2015. Collection method: clinical testing. Allele origin: germline. Affected: yes. Not counted in ClinVar's aggregate classification.

PreventionGenetics, part of Exact Sciences
Classification: Pathogenic for HNF1A-related condition. Last evaluated: 2024-04-09. Review status: no assertion criteria provided. Collection method: clinical testing. Allele origin: germline. Not counted in ClinVar's aggregate classification.
Comment: The HNF1A c.607C>T variant is predicted to result in the amino acid substitution p.Arg203Cys. This variant has been reported in individuals with maturity-onset diabetes of the young (MODY, Yamada et al. 1999. PubMed ID: 10078571; Lopez et al. 2010. PubMed ID: 21168233; Santos Monteiro et al. 2022. PubMed ID: 36208343). One study demonstrated this variant segregating with disease (Figure 1a, Plengvidhya et al. 2008. PubMed ID: 18811724). In vitro functional studies demonstrate that expression of this variant affects nuclear translocation, cell growth, and transactivation activity (Yamada et al. 1999. PubMed ID: 10078571; Gu et al. 2004. PubMed ID: 15522234; Sujjitjoon et al. 2020. PubMed ID: 32684311). This variant is reported in 0.0054% of alleles in individuals of East Asian descent in gnomAD, and has been classified as pathogenic by a ClinGen variant curation expert panel (VCEP) for monogenic diabetes. Additionally, different missense changes impacting the same amino acid (p.Arg203Ser, p.Arg203His, and p.Arg203Gly) have been reported in individuals with MODY (Table S1, Colclough et al. 2013. PubMed ID: 23348805; Lopez et al. 2011. PubMed ID: 21168233). Taken together, this variant is interpreted as pathogenic.

Literature cited by the submitters: PubMed 10078571 (cited by 3 submitters); PubMed 31363388 (cited by Labcorp Genetics (formerly Invitae), Labcorp and Ambry Genetics); PubMed 21168233 (cited by Labcorp Genetics (formerly Invitae), Labcorp); PubMed 30293189 (cited by Labcorp Genetics (formerly Invitae), Labcorp); PubMed 12488962 (cited by Women's Health and Genetics/Laboratory Corporation of America, LabCorp); PubMed 15928245 (cited by Women's Health and Genetics/Laboratory Corporation of America, LabCorp); PubMed 12488961 (cited by Women's Health and Genetics/Laboratory Corporation of America, LabCorp); PubMed 16496320 (cited by Women's Health and Genetics/Laboratory Corporation of America, LabCorp); PubMed 16274290 (cited by Women's Health and Genetics/Laboratory Corporation of America, LabCorp); PubMed 15726414 (cited by Women's Health and Genetics/Laboratory Corporation of America, LabCorp); PubMed 17924661 (cited by Women's Health and Genetics/Laboratory Corporation of America, LabCorp); PubMed 18811724 (cited by Women's Health and Genetics/Laboratory Corporation of America, LabCorp); PubMed 15522234 (cited by Ambry Genetics); PubMed 23274891 (cited by Ambry Genetics); PubMed 23348805 (cited by Ambry Genetics); PubMed 24905847 (cited by Ambry Genetics); PubMed 27913849 (cited by Ambry Genetics); PubMed 31968686 (cited by Ambry Genetics); PubMed 32684311 (cited by Ambry Genetics).